The following is an entry in ClinVar:

ClinVar aggregate classification (germline): Uncertain significance (1 of 4 stars; one submission).

gnomAD v4.1: 3 of 1,613,952 alleles (0.00019%); highest among the groups gnomAD compares: East Asian, 0.0022%; no homozygotes.

Submission:

Ambry Genetics
Classification: Uncertain significance. Last evaluated: 2021-06-20. Review status: criteria provided, single submitter. Criteria: Ambry Variant Classification Scheme 2023. Collection method: clinical testing. Allele origin: germline.
Comment: The p.R617S variant (also known as c.1849C>A), located in coding exon 9 of the PALLD gene, results from a C to A substitution at nucleotide position 1849. The arginine at codon 617 is replaced by serine, an amino acid with dissimilar properties. This amino acid position is conserved. In addition, this alteration is predicted to be tolerated by in silico analysis. Since supporting evidence is limited at this time, the clinical significance of this alteration remains unclear.

NM_001166108.2(PALLD):c.1849C>A (p.Arg617Ser)

Gene: PALLD (palladin, cytoskeletal associated protein; plus strand). Cytogenetic location: 4q32.3.
Variant type: single nucleotide variant.
Coding change: c.1849C>A on transcript NM_001166108.2 (MANE Select); coding-DNA position 1849, C replaced by A.
Protein change: p.Arg617Ser; replaces arginine 617 with serine.
Molecular consequence: missense variant.
Genome position (GRCh38, 1-based): chr4:168,711,808, C>A. VCF-style: chr4-168711808-C-A. GRCh37 (hg19) VCF-style: chr4-169632959-C-A.
Other names: c.703C>A, p.Arg235Ser (NM_001166109.2); c.1849C>A, p.Arg617Ser (NM_016081.4); short protein forms R235S, R617S.
Identifiers: ClinVar variation 1781290 (VCV001781290.2), dbSNP rs138283237, ClinGen allele CA358798471.